The following is an entry in ClinVar:

ClinVar aggregate classification (germline): Conflicting classifications of pathogenicity. Review status: criteria provided, conflicting classifications (1 of 4 stars). 2 submissions from 2 submitters: Uncertain significance (1); Likely benign (1). Last evaluated 2025-08-20.

Conditions:
Hereditary cancer-predisposing syndrome. Also called: Tumor predisposition; Hereditary neoplastic syndrome; Neoplastic Syndromes, Hereditary; Hereditary Cancer Syndrome. Identifiers: Orphanet 140162, MedGen C0027672, MeSH D009386, MONDO:0015356.
Familial cancer of breast. Also called: hereditary breast carcinoma; Hereditary breast cancer; BREAST CANCER, FAMILIAL. Identifiers: Orphanet 227535, MedGen C0346153, MONDO:0016419, OMIM 114480. Disease mechanism: loss of function.

Allele frequency attached by ClinVar (database versions not stated): gnomAD exomes below 0.00001.
gnomAD v4.1: 2 of 1,614,056 alleles (0.00012%); highest among the groups gnomAD compares: South Asian, 0.0011%; no homozygotes.

Submissions (2):

Labcorp Genetics (formerly Invitae), Labcorp
Classification: Uncertain significance for Familial cancer of breast. Last evaluated: 2025-08-20. Review status: criteria provided, single submitter. Criteria: Invitae Variant Classification Sherloc (09022015). Collection method: clinical testing. Allele origin: germline.
Comment: This sequence change replaces methionine, which is neutral and non-polar, with isoleucine, which is neutral and non-polar, at codon 383 of the BARD1 protein (p.Met383Ile). This variant is not present in population databases (gnomAD no frequency). This variant has not been reported in the literature in individuals affected with BARD1-related conditions. ClinVar contains an entry for this variant (Variation ID: 847637). An algorithm developed to predict the effect of missense changes on protein structure and function outputs the following: PolyPhen-2: "Benign". The isoleucine amino acid residue is found in multiple mammalian species, which suggests that this missense change does not adversely affect protein function. In summary, the available evidence is currently insufficient to determine the role of this variant in disease. Therefore, it has been classified as a Variant of Uncertain Significance.

Ambry Genetics
Classification: Likely benign for Hereditary cancer-predisposing syndrome. Last evaluated: 2024-12-02. Review status: criteria provided, single submitter. Criteria: Ambry Variant Classification Scheme 2023. Collection method: clinical testing. Allele origin: germline.

NM_000465.4(BARD1):c.1149G>A (p.Met383Ile)

Gene: BARD1 (BRCA1 associated RING domain 1; minus strand). Cytogenetic location: 2q35.
Variant type: single nucleotide variant.
Coding change: c.1149G>A on transcript NM_000465.4 (MANE Select); coding-DNA position 1149, G replaced by A.
Protein change: p.Met383Ile; replaces methionine 383 with isoleucine.
Molecular consequence: missense variant. On other transcripts: non-coding transcript variant (2), intron variant (3).
Genome position (GRCh38, 1-based): chr2:214,780,725, C>T on the plus strand (G>A on the coding strand, the complement: BARD1 is on the minus strand). VCF-style: chr2-214780725-C-T. GRCh37 (hg19) VCF-style: chr2-215645449-C-T.
Other names: c.1092G>A, p.Met364Ile (NM_001282543.2); c.159-28170G>A (NM_001282548.2); c.215+16336G>A (NM_001282545.2); c.364+11572G>A (NM_001282549.2); c.1149G>A (NM_000465.2); short protein forms M364I, M383I.
Identifiers: ClinVar variation 847637 (VCV000847637.10), dbSNP rs1559423780, ClinGen allele CA350453963.